The following is an entry in ClinVar:

ClinVar aggregate classification (germline): Benign. Review status: criteria provided, multiple submitters, no conflicts (2 of 4 stars). 3 submissions from 3 submitters: Benign (3). Last evaluated 2024-07-15.

Allele frequency attached by ClinVar (database versions not stated): gnomAD exomes 0.24563 and 0.29920; ExAC 0.30583; gnomAD 0.37822 and 0.38016; ESP Exome Variant Server 0.38559; TOPMed 0.39195; 1000 Genomes Project 0.46166; 1000 Genomes Project 30x 0.46268.
gnomAD v4.1: 412,257 of 1,589,568 alleles (26%); highest among the groups gnomAD compares: African/African-American, 72%; 65,906 homozygotes.

Submissions (3):

Unidad de Genómica Garrahan, Hospital de Pediatría Garrahan
Classification: Benign. Last evaluated: 2024-07-15. Review status: criteria provided, single submitter. Criteria: ACMG Guidelines, 2015. Collection method: clinical testing. Allele origin: germline. Affected: no. Observed: 31 variant alleles.
Comment: This variant is classified as Benign based on local population frequency. This variant was detected in 33% of patients studied in a panel designed for Epileptic and Developmental Encephalopathy and Progressive Myoclonus Epilepsy. Number of patients: 31. Only high quality variants are reported.

GeneDx
Classification: Benign. Last evaluated: 2018-06-14. Review status: criteria provided, single submitter. Criteria: GeneDx Variant Classification (06012015). Collection method: clinical testing. Allele origin: germline. Affected: yes.
Comment: This variant is considered likely benign or benign based on one or more of the following criteria: it is a conservative change, it occurs at a poorly conserved position in the protein, it is predicted to be benign by multiple in silico algorithms, and/or has population frequency not consistent with disease.

Breakthrough Genomics
Classification: Benign. Review status: criteria provided, single submitter. Criteria: ACMG Guidelines, 2015. Collection method: not provided. Allele origin: germline. Inheritance: Autosomal dominant inheritance. Affected: yes.

NM_004408.4(DNM1):c.1423-32G>C

Gene: DNM1 (dynamin 1; plus strand). Cytogenetic location: 9q34.11.
Variant type: single nucleotide variant.
Coding change: c.1423-32G>C on transcript NM_004408.4 (MANE Select); 32 bases into the intron before coding-DNA position 1423, G replaced by C.
Molecular consequence: intron variant.
Genome position (GRCh38, 1-based): chr9:128,239,413, G>C. VCF-style: chr9-128239413-G-C. GRCh37 (hg19) VCF-style: chr9-131001692-G-C.
Other names: c.1423-32G>C (NM_001005336.3, NM_001288738.2, NM_001288737.2 and 1 more transcripts).
Identifiers: ClinVar variation 679304 (VCV000679304.4), dbSNP rs10987942, ClinGen allele CA5258169.
Genomic context (GRCh38, chr9:128,239,413, plus strand): 5'-TGTGCTGCAAGTACTTTTCTCCCAGCTTGCCCTGCATTTTAAAACTTTGTGGTGTCTTTT[G>C]CGCTTGCCCACCAACCTATGTATCCTTGAAGGTCATGCTTCTCATCGATATCGAGCTGGC-3'